The following is an entry in ClinVar:

ClinVar aggregate classification (germline): Uncertain significance (1 of 4 stars; one submission).

gnomAD v4.1: 2 of 1,614,152 alleles (0.00012%); highest among the groups gnomAD compares: Admixed American, 0.0033%; no homozygotes.

Submission:

GeneDx
Classification: Uncertain significance. Last evaluated: 2024-12-26. Review status: criteria provided, single submitter. Criteria: GeneDx Variant Classification Process June 2021. Collection method: clinical testing. Allele origin: germline. Affected: yes.
Comment: Not observed at significant frequency in large population cohorts (gnomAD); In silico analysis indicates that this missense variant does not alter protein structure/function; Has not been previously published as pathogenic or benign to our knowledge

NM_000384.3(APOB):c.2509G>C (p.Glu837Gln)

Gene: APOB (apolipoprotein B; minus strand). Cytogenetic location: 2p24.1.
Variant type: single nucleotide variant.
Coding change: c.2509G>C on transcript NM_000384.3 (MANE Select); coding-DNA position 2509, G replaced by C.
Protein change: p.Glu837Gln; replaces glutamic acid 837 with glutamine.
Molecular consequence: missense variant.
Genome position (GRCh38, 1-based): chr2:21,023,620, C>G on the plus strand (G>C on the coding strand, the complement: APOB is on the minus strand). VCF-style: chr2-21023620-C-G. GRCh37 (hg19) VCF-style: chr2-21246492-C-G.
Other names: short protein forms E837Q.
Identifiers: ClinVar variation 3907768 (VCV003907768.1).